The following is an entry in ClinVar:

NM_001349798.2(FBXW7):c.1393C>G (p.Arg465Gly)

Gene: FBXW7 (F-box and WD repeat domain containing 7; minus strand). Cytogenetic location: 4q31.3.
Variant type: single nucleotide variant.
Coding change: c.1393C>G on transcript NM_001349798.2 (MANE Select); coding-DNA position 1393, C replaced by G.
Protein change: p.Arg465Gly; replaces arginine 465 with glycine.
Molecular consequence: missense variant.
Genome position (GRCh38, 1-based): chr4:152,328,233, G>C on the plus strand (C>G on the coding strand, the complement: FBXW7 is on the minus strand). VCF-style: chr4-152328233-G-C. GRCh37 (hg19) VCF-style: chr4-153249385-G-C.
Other names: c.1039C>G, p.Arg347Gly (LRG_1141t3, NM_001013415.2); c.1153C>G, p.Arg385Gly (LRG_1141t2, NM_018315.5); c.1393C>G, p.Arg465Gly (LRG_1141t1, NM_033632.3); short protein forms R465G, R347G, R385G.
Identifiers: ClinVar variation 4530536 (VCV004530536.2), dbSNP rs867384286.

ClinVar aggregate classification (germline): Uncertain significance (1 of 4 stars; one submission).
ClinVar aggregate classification (somatic clinical impact): Tier I - Strong (1 of 4 stars; one submission).

Conditions:
Embryonal rhabdomyosarcoma (ERMS). Also called: Botryoid rhabdomyosarcoma (type of ERMS); Spindle cell rhabdomyosarcomas (type of ERMS). Identifiers: Orphanet 99757, MedGen C0206656, MONDO:0009993, HP:0006743.

Submissions (2):

GeneDx
Classification: Uncertain significance. Last evaluated: 2026-02-04. Review status: criteria provided, single submitter. Criteria: GeneDx Variant Classification Process June 2021. Collection method: clinical testing. Allele origin: germline.
Comment: Not observed at significant frequency in large population cohorts (gnomAD); In silico analysis supports that this missense variant has a deleterious effect on protein structure/function; Has not been previously published as pathogenic or benign in association with a known FBXW7-related disorder to our knowledge; This variant is associated with the following publications: (PMID: 34817806)

Institute for Genomic Medicine (IGM) Clinical Laboratory, Nationwide Children's Hospital
Classification: Tier I - Strong for Embryonal rhabdomyosarcoma. Assertion type: diagnostic. Clinical significance: supports diagnosis. Last evaluated: 2023-06-30. Review status: criteria provided, single submitter. Criteria: AMP/ASCO/CAP Guidelines, 2017. Collection method: clinical testing. Allele origin: somatic. Affected: yes.
Comment: Variant has Tier I (strong) clinical significance as a diagnostic inclusion criterion in embryonal rhabdomyosarcoma, based on the following evidence: 1) Documented in one or more cancer databases (e.g., St. Jude Pecan, COSMIC, CIViC, OncoKB). 2) Appears in one or more well-established professional guidelines (e.g., World Health Organization [WHO]; National Comprehensive Cancer Network [NCCN]) as providing diagnostic, prognostic, or therapeutic information. 3) Diagnostic for a specific tumor type/classification based on well-powered studies with expert-level consensus (Evidence Level B; PMIDs: 24436047, 34166060, 25768946).

Literature cited by the submitters: PubMed 24436047 (cited by Institute for Genomic Medicine (IGM) Clinical Laboratory, Nationwide Children's Hospital); PubMed 34166060 (cited by Institute for Genomic Medicine (IGM) Clinical Laboratory, Nationwide Children's Hospital); PubMed 25768946 (cited by Institute for Genomic Medicine (IGM) Clinical Laboratory, Nationwide Children's Hospital).